The following is an entry in ClinVar:

NM_000059.4(BRCA2):c.732_733dup (p.Arg245fs)

Gene: BRCA2 (BRCA2 DNA repair associated; plus strand). Cytogenetic location: 13q13.1.
Variant type: Duplication.
Coding change: c.732_733dup on transcript NM_000059.4 (MANE Select); coding-DNA positions 732 to 733, 2 bases duplicated (TA; older notation c.732_733dupTA).
Protein change: p.Arg245fs; shifts the reading frame from arginine 245.
Molecular consequence: frameshift variant.
Genome position (GRCh38, 1-based): chr13:32,330,969-32,330,970, TA duplicated; duplicating any 2 consecutive bases within chr13:32,330,968-32,330,970 gives the same sequence; the c. name uses the placement nearest the transcript's 3' end. VCF-style (leftmost placement, unchanged base first): chr13-32330967-G-GAT. GRCh37 (hg19) VCF-style: chr13-32905104-G-GAT.
Other names: c.732_733dup, p.Arg245Ilefs (NM_001406719.1, NM_001406720.1, NM_001406721.1); c.363_364dup, p.Arg122Ilefs (NM_001406722.1); c.732_733dupTA (NM_000059.3); short protein forms R245fs.
Identifiers: ClinVar variation 1758317 (VCV001758317.2), dbSNP rs1408096224, ClinGen allele CA2580087077.

ClinVar aggregate classification (germline): Pathogenic (1 of 4 stars; one submission).

Conditions:
Hereditary cancer-predisposing syndrome. Also called: Neoplastic Syndromes, Hereditary; Tumor predisposition; Hereditary Cancer Syndrome; Hereditary neoplastic syndrome. Identifiers: Orphanet 140162, MedGen C0027672, MeSH D009386, MONDO:0015356.

Submission:

Ambry Genetics
Classification: Pathogenic for Hereditary cancer-predisposing syndrome. Last evaluated: 2021-06-23. Review status: criteria provided, single submitter. Criteria: Ambry Variant Classification Scheme 2023. Collection method: clinical testing. Allele origin: germline.
Comment: The c.732_733dupTA pathogenic mutation, located in coding exon 8 of the BRCA2 gene, results from a duplication of TA at nucleotide position 732, causing a translational frameshift with a predicted alternate stop codon (p.R245Ifs*7). This variant is considered to be rare based on population cohorts in the Genome Aggregation Database (gnomAD). This alteration is expected to result in loss of function by premature protein truncation or nonsense-mediated mRNA decay. As such, this alteration is interpreted as a disease-causing mutation.